The following is an entry in ClinVar:

NM_004004.6(GJB2):c.122A>G (p.Lys41Arg)

Gene: GJB2 (gap junction protein beta 2; minus strand). Cytogenetic location: 13q12.11.
Variant type: single nucleotide variant.
Coding change: c.122A>G on transcript NM_004004.6 (MANE Select); coding-DNA position 122, A replaced by G.
Protein change: p.Lys41Arg; replaces lysine 41 with arginine.
Molecular consequence: missense variant.
Genome position (GRCh38, 1-based): chr13:20,189,460, T>C on the plus strand (A>G on the coding strand, the complement: GJB2 is on the minus strand). VCF-style: chr13-20189460-T-C. GRCh37 (hg19) VCF-style: chr13-20763599-T-C.
Other names: short protein forms K41R.
Identifiers: ClinVar variation 1443700 (VCV001443700.7), dbSNP rs866127155, ClinGen allele CA246460871.

ClinVar aggregate classification (germline): Uncertain significance (1 of 4 stars; one submission).

Allele frequency attached by ClinVar (database versions not stated): gnomAD 0.00001.
gnomAD v4.1: 3 of 1,613,396 alleles (0.00019%); highest among the groups gnomAD compares: Non-Finnish European, 0.00025%; no homozygotes.

Submission:

Labcorp Genetics (formerly Invitae), Labcorp
Classification: Uncertain significance. Last evaluated: 2024-11-05. Review status: criteria provided, single submitter. Criteria: Invitae Variant Classification Sherloc (09022015). Collection method: clinical testing. Allele origin: germline.
Comment: This sequence change replaces lysine, which is basic and polar, with arginine, which is basic and polar, at codon 41 of the GJB2 protein (p.Lys41Arg). This variant is not present in population databases (gnomAD no frequency). This missense change has been observed in individual(s) with autosomal recessive deafness (PMID: 10983956). ClinVar contains an entry for this variant (Variation ID: 1443700). Invitae Evidence Modeling of protein sequence and biophysical properties (such as structural, functional, and spatial information, amino acid conservation, physicochemical variation, residue mobility, and thermodynamic stability) indicates that this missense variant is expected to disrupt GJB2 protein function with a positive predictive value of 80%. In summary, the available evidence is currently insufficient to determine the role of this variant in disease. Therefore, it has been classified as a Variant of Uncertain Significance.

Literature cited by the submitters: PubMed 10983956.